The following is an entry in ClinVar:

NM_002439.5(MSH3):c.418T>G (p.Phe140Val)

Gene: MSH3 (mutS homolog 3; plus strand). Cytogenetic location: 5q14.1.
Variant type: single nucleotide variant.
Coding change: c.418T>G on transcript NM_002439.5 (MANE Select); coding-DNA position 418, T replaced by G.
Protein change: p.Phe140Val; replaces phenylalanine 140 with valine.
Molecular consequence: missense variant.
Genome position (GRCh38, 1-based): chr5:80,665,202, T>G. VCF-style: chr5-80665202-T-G. GRCh37 (hg19) VCF-style: chr5-79961021-T-G.
Other names: short protein forms F140V.
Identifiers: ClinVar variation 1008772 (VCV001008772.9), dbSNP rs1749541254, ClinGen allele CA360263280.

ClinVar aggregate classification (germline): Uncertain significance. Review status: criteria provided, multiple submitters, no conflicts (2 of 4 stars). 2 submissions from 2 submitters: Uncertain significance (2). Last evaluated 2025-07-29.

Conditions:
Hereditary cancer-predisposing syndrome. Also called: Tumor predisposition; Hereditary neoplastic syndrome; Neoplastic Syndromes, Hereditary; Hereditary Cancer Syndrome. Identifiers: Orphanet 140162, MedGen C0027672, MeSH D009386, MONDO:0015356.

Allele frequency attached by ClinVar (database versions not stated): gnomAD exomes below 0.00001.
gnomAD v4.1: 4 of 1,614,122 alleles (0.00025%); highest among the groups gnomAD compares: Non-Finnish European, 0.00034%; no homozygotes.

Submissions (2):

Labcorp Genetics (formerly Invitae), Labcorp
Classification: Uncertain significance. Last evaluated: 2025-07-29. Review status: criteria provided, single submitter. Criteria: Invitae Variant Classification Sherloc (09022015). Collection method: clinical testing. Allele origin: germline.
Comment: This sequence change replaces phenylalanine, which is neutral and non-polar, with valine, which is neutral and non-polar, at codon 140 of the MSH3 protein (p.Phe140Val). This variant is not present in population databases (gnomAD no frequency). This variant has not been reported in the literature in individuals affected with MSH3-related conditions. ClinVar contains an entry for this variant (Variation ID: 1008772). An algorithm developed to predict the effect of missense changes on protein structure and function (PolyPhen-2) suggests that this variant is likely to be disruptive. In summary, the available evidence is currently insufficient to determine the role of this variant in disease. Therefore, it has been classified as a Variant of Uncertain Significance.

Ambry Genetics
Classification: Uncertain significance for Hereditary cancer-predisposing syndrome. Last evaluated: 2023-12-07. Review status: criteria provided, single submitter. Criteria: Ambry Variant Classification Scheme 2023. Collection method: clinical testing. Allele origin: germline.
Comment: The p.F140V variant (also known as c.418T>G), located in coding exon 3 of the MSH3 gene, results from a T to G substitution at nucleotide position 418. The phenylalanine at codon 140 is replaced by valine, an amino acid with highly similar properties. This amino acid position is highly conserved in available vertebrate species. In addition, the in silico prediction for this alteration is inconclusive. Since supporting evidence is limited at this time, the clinical significance of this alteration remains unclear.